The following is an entry in ClinVar:

NM_015046.7(SETX):c.1322A>G (p.Lys441Arg)

Gene: SETX (senataxin; minus strand). Cytogenetic location: 9q34.13.
Variant type: single nucleotide variant.
Coding change: c.1322A>G on transcript NM_015046.7 (MANE Select); coding-DNA position 1322, A replaced by G.
Protein change: p.Lys441Arg; replaces lysine 441 with arginine.
Molecular consequence: missense variant.
Genome position (GRCh38, 1-based): chr9:132,330,276, T>C on the plus strand (A>G on the coding strand, the complement: SETX is on the minus strand). VCF-style: chr9-132330276-T-C. GRCh37 (hg19) VCF-style: chr9-135205663-T-C.
Other names: c.1322A>G, p.Lys441Arg (NM_001351527.2, NM_001351528.2); short protein forms K441R.
Identifiers: ClinVar variation 3761533 (VCV003761533.2).

ClinVar aggregate classification (germline): Uncertain significance (1 of 4 stars; one submission).

Conditions:
Spinocerebellar ataxia, autosomal recessive, with axonal neuropathy 2 (SCAN2). Also called: Ataxia-ocular apraxia-2; ATAXIA-OCULOMOTOR APRAXIA 2; Ataxia with Oculomotor Apraxia; Ataxia with Oculomotor Apraxia Type 2. Identifiers: Orphanet 64753, MedGen C1853761, MONDO:0018996, OMIM 606002.
Amyotrophic lateral sclerosis type 4 (ALS4). Also called: AMYOTROPHIC LATERAL SCLEROSIS 4, JUVENILE; NEURONOPATHY, DISTAL HEREDITARY MOTOR, WITH PYRAMIDAL FEATURES. Identifiers: Orphanet 357043, MedGen C1865409, MONDO:0011223, OMIM 602433.

Submission:

Labcorp Genetics (formerly Invitae), Labcorp
Classification: Uncertain significance for Amyotrophic lateral sclerosis type 4; Spinocerebellar ataxia, autosomal recessive, with axonal neuropathy 2. Last evaluated: 2024-02-13. Review status: criteria provided, single submitter. Criteria: Invitae Variant Classification Sherloc (09022015). Collection method: clinical testing. Allele origin: germline.
Comment: This sequence change replaces lysine, which is basic and polar, with arginine, which is basic and polar, at codon 441 of the SETX protein (p.Lys441Arg). This variant is not present in population databases (gnomAD no frequency). This variant has not been reported in the literature in individuals affected with SETX-related conditions. Advanced modeling of protein sequence and biophysical properties (such as structural, functional, and spatial information, amino acid conservation, physicochemical variation, residue mobility, and thermodynamic stability) performed at Invitae indicates that this missense variant is not expected to disrupt SETX protein function with a negative predictive value of 95%. In summary, the available evidence is currently insufficient to determine the role of this variant in disease. Therefore, it has been classified as a Variant of Uncertain Significance.